The following is an entry in ClinVar:

NM_004972.4(JAK2):c.2762-10_2762-9del

Genes: INSL6 (insulin like 6; minus strand), JAK2 (Janus kinase 2; plus strand). Cytogenetic location: 9p24.1.
Variant type: Deletion.
Coding change: c.2762-10_2762-9del on transcript NM_004972.4 (MANE Select); 10 bases into the intron before coding-DNA position 2762 through 9 bases into the intron before coding-DNA position 2762, 2 bases deleted (AT; older notation c.2762-10_2762-9delAT).
Molecular consequence: intron variant.
Genome position (GRCh38, 1-based): chr9:5,090,436-5,090,437, AT deleted; deleting any 2 consecutive bases within chr9:5,090,435-5,090,437 gives the same sequence; the c. name uses the placement nearest the transcript's 3' end. VCF-style (leftmost placement, unchanged base first): chr9-5090434-TTA-T. GRCh37 (hg19) VCF-style: chr9-5090434-TTA-T.
Other names: c.2762-10_2762-9del (NM_001322194.2, NM_001322195.2, NM_001322196.2); c.1547-10_1547-9del (NM_001322198.2, NM_001322199.2); c.2315-10_2315-9del (NM_001322204.2).
Identifiers: ClinVar variation 367131 (VCV000367131.34), dbSNP rs529050943, ClinGen allele CA4972253.
Genomic context (GRCh38, chr9:5,090,434, plus strand): 5'-ATGATAGTTTTCTAATATTTAATCAGTATAATATGGCAGAGTAAAACATTATTTCCACCT[TTA>T]TGTTAAAAGGTCGGCGTAATCTAAAATTAATTATGGAATATTTACCATATGGAAGTTTAC-3'

ClinVar aggregate classification (germline): Conflicting classifications of pathogenicity. Review status: criteria provided, conflicting classifications (1 of 4 stars). 4 submissions from 4 submitters: Uncertain significance (2); Benign (1); Likely benign (1). Last evaluated 2025-11-27.

Conditions:
Acquired polycythemia vera. Also called: POLYCYTHEMIA RUBRA VERA; Suspected polycythemia vera; Polycythemia vera, somatic. Identifiers: Orphanet 729, MedGen C0032463, MeSH D011087, MONDO:0009891, OMIM 263300.
Primary myelofibrosis. Also called: Myelofibrosis, somatic. Identifiers: Orphanet 824, MedGen C0001815, MeSH D055728, MONDO:0009692, OMIM 254450.
Budd-Chiari syndrome (BDCHS). Also called: Hepatic vein obstruction. Identifiers: Orphanet 131, MedGen C0856761, MONDO:0010947, OMIM 600880, HP:0002639.
Thrombocythemia 3 (THCYT3). Also called: THROMBOCYTOSIS 3; THROMBOCYTHEMIA 3, SOMATIC. Identifiers: MedGen C3281125, MONDO:0013794, OMIM 614521.
Acute myeloid leukemia (AML). Also called: Acute myeloid leukemia, adult; AML adult; Acute non-lymphocytic leukemia; Acute granulocytic leukemia; Leukemia, acute myeloid, somatic; Leukemia, acute myelogenous, somatic. Identifiers: Orphanet 519, MedGen C0023467, MeSH D015470, MONDO:0018874, OMIM 601626, HP:0004808. Disease mechanism: Constitutively activated FLT3.
Primary familial polycythemia due to EPO receptor mutation. Also called: POLYCYTHEMIA, PRIMARY FAMILIAL AND CONGENITAL; Erythrocytosis, familial, 1; Primary Familial Congenital Polycythemia; ERYTHROCYTOSIS, SOMATIC. Identifiers: Orphanet 90042, MedGen C4551637, MONDO:0007572, OMIM 133100.

Submissions (4):

Labcorp Genetics (formerly Invitae), Labcorp
Classification: Benign. Last evaluated: 2025-11-27. Review status: criteria provided, single submitter. Criteria: Invitae Variant Classification Sherloc (09022015). Collection method: clinical testing. Allele origin: germline.

CeGaT Center for Human Genetics Tuebingen
Classification: Likely benign. Last evaluated: 2023-03-01. Review status: criteria provided, single submitter. Criteria: CeGaT Center For Human Genetics Tuebingen Variant Classification Criteria Version 2. Collection method: clinical testing. Allele origin: germline. Affected: yes. Observed: 3 variant alleles.
Comment: JAK2: BS1

Department of Pathology and Laboratory Medicine, Sinai Health System
Classification: Uncertain significance for Primary familial polycythemia due to EPO receptor mutation; Primary myelofibrosis; Acquired polycythemia vera; Budd-Chiari syndrome; Acute myeloid leukemia; Thrombocythemia 3. Last evaluated: 2021-10-18. Review status: criteria provided, single submitter. Criteria: ACMG Guidelines, 2015. Collection method: research. Allele origin: germline.

Breakthrough Genomics
Classification: Uncertain significance. Review status: criteria provided, single submitter. Criteria: ACMG Guidelines, 2015. Collection method: not provided. Allele origin: germline. Inheritance: Autosomal recessive inheritance. Affected: yes.